The following is an entry in ClinVar:

NM_003011.4(SET):c.438_439insA (p.Glu147fs)

Gene: SET (SET nuclear proto-oncogene; plus strand). Cytogenetic location: 9q34.11.
Variant type: Insertion.
Coding change: c.438_439insA on transcript NM_003011.4 (MANE Select); coding-DNA positions 438 to 439, A inserted.
Protein change: p.Glu147fs; shifts the reading frame from glutamic acid 147.
Molecular consequence: frameshift variant.
Genome position: GRCh38 VCF-style: chr9-128692927-T-TA. GRCh37 (hg19) VCF-style: chr9-131455206-T-TA.
Other names: c.477_478insA, p.Glu160fs (NM_001122821.2, NM_001374326.1); c.411_412insA, p.Glu138fs (NM_001248000.2); c.405_406insA, p.Glu136fs (NM_001248001.2); short protein forms E160fs, E136fs, E147fs, E138fs.
Identifiers: ClinVar variation 5002090 (VCV005002090.1).

ClinVar aggregate classification (germline): Likely pathogenic (1 of 4 stars; one submission).

Conditions:
SET-related disorder. Also called: SET-related condition.

Submission:

PreventionGenetics, part of Exact Sciences
Classification: Likely pathogenic for SET-related condition. Last evaluated: 2025-02-10. Review status: criteria provided, single submitter. Criteria: ACMG Guidelines, 2015. Collection method: clinical testing. Allele origin: germline.
Comment: The SET c.477_478insA variant is predicted to result in a frameshift and premature protein termination (p.Glu160Argfs*4). To our knowledge, this variant has not been reported in the literature or in a large population database (gnomAD), indicating this variant is rare. Frameshift variants in SET are expected to be pathogenic. This variant is interpreted as likely pathogenic.